The following is an entry in ClinVar:

NM_021815.5(SLC5A7):c.463G>C (p.Val155Leu)

Gene: SLC5A7 (solute carrier family 5 member 7; plus strand). Cytogenetic location: 2q12.3.
Variant type: single nucleotide variant.
Coding change: c.463G>C on transcript NM_021815.5 (MANE Select); coding-DNA position 463, G replaced by C.
Protein change: p.Val155Leu; replaces valine 155 with leucine.
Molecular consequence: missense variant. On other transcripts: 5 prime UTR variant (1).
Genome position (GRCh38, 1-based): chr2:107,997,852, G>C. VCF-style: chr2-107997852-G-C. GRCh37 (hg19) VCF-style: chr2-108614308-G-C.
Other names: c.463G>C, p.Val155Leu (NM_001305005.3); c.148G>C, p.Val50Leu (NM_001305006.3); c.-242G>C (NM_001305007.3); short protein forms V155L, V50L.
Identifiers: ClinVar variation 2925235 (VCV002925235.3), dbSNP rs775903161, ClinGen allele CA1818973.
Genomic context (GRCh38, chr2:107,997,852, plus strand): 5'-AATCTGTCTGGGCACCTTGACCACAGAACTCTCTTGTTTGTTTCAGGAGCCACCATCAGC[G>C]TGATCATCGATGTGGATATGCACATTTCTGTCATCATCTCTGCACTCATTGCCACTCTGT-3'
Protein context (NP_068587.1, residues 145-165): IFSALGATIS[Val155Leu]IIDVDMHISV

ClinVar aggregate classification (germline): Uncertain significance (1 of 4 stars; one submission).

Conditions:
Neuronopathy, distal hereditary motor, type 7A. Also called: HARPER-YOUNG MYOPATHY; HMN VIIA; SPINAL MUSCULAR ATROPHY, DISTAL, WITH VOCAL CORD PARALYSIS; Neuronopathy, distal hereditary motor, type viia; NEURONOPATHY, DISTAL HEREDITARY MOTOR, HARDING TYPE VIIA; NEUROPATHY, DISTAL HEREDITARY MOTOR, HARDING TYPE VIIA. Identifiers: Orphanet 139589, MedGen C1834703, MONDO:0008024, OMIM 158580.
Congenital myasthenic syndrome 20. Also called: Myasthenic syndrome, congenital, 20, presynaptic. Identifiers: MedGen C4310694, MONDO:0014939, OMIM 617143.

Allele frequency attached by ClinVar (database versions not stated): ExAC 0.00001.
gnomAD v4.1: 3 of 1,608,870 alleles (0.00019%); highest among the groups gnomAD compares: Admixed American, 0.005%; no homozygotes.

Submission:

Labcorp Genetics (formerly Invitae), Labcorp
Classification: Uncertain significance for Neuronopathy, distal hereditary motor, type 7A; Congenital myasthenic syndrome 20. Last evaluated: 2026-01-24. Review status: criteria provided, single submitter. Criteria: Invitae Variant Classification Sherloc (09022015). Collection method: clinical testing. Allele origin: germline.
Comment: This sequence change replaces valine, which is neutral and non-polar, with leucine, which is neutral and non-polar, at codon 155 of the SLC5A7 protein (p.Val155Leu). This variant is present in population databases (rs775903161, gnomAD 0.006%). This variant has not been reported in the literature in individuals affected with SLC5A7-related conditions. ClinVar contains an entry for this variant (Variation ID: 2925235). Invitae Evidence Modeling of protein sequence and biophysical properties (such as structural, functional, and spatial information, amino acid conservation, physicochemical variation, residue mobility, and thermodynamic stability) indicates that this missense variant is not expected to disrupt SLC5A7 protein function with a negative predictive value of 80%. In summary, the available evidence is currently insufficient to determine the role of this variant in disease. Therefore, it has been classified as a Variant of Uncertain Significance.